The following is an entry in ClinVar:

ClinVar aggregate classification (germline): Likely pathogenic (1 of 4 stars; one submission).

Conditions:
Androgen resistance syndrome (AIS). Also called: ANDROGEN RECEPTOR DEFICIENCY; DIHYDROTESTOSTERONE RECEPTOR DEFICIENCY; TESTICULAR FEMINIZATION SYNDROME; Androgen insensitivity syndrome; Androgen insensitivity, complete; Androgen insensitivity syndrome due to coactivator deficiency. Identifiers: Orphanet 754, Orphanet 99429, MedGen C0039585, MONDO:0019154, OMIM 300068. Disease mechanism: loss of function.

Submission:

Victorian Clinical Genetics Services, Murdoch Childrens Research Institute
Classification: Likely pathogenic for Androgen resistance syndrome. Last evaluated: 2023-07-17. Review status: criteria provided, single submitter. Criteria: ACMG Guidelines, 2015. Collection method: clinical testing. Allele origin: germline. Inheritance: X-linked recessive inheritance. Affected: yes.
Comment: Based on the classification scheme VCGS_Germline_v1.3.4, this variant is classified as Likely pathogenic. Following criteria are met: 0102 - Loss of function is a known mechanism of disease in this gene and is associated with androgen insensitivity (MIM#300068), androgen insensitivity, partial, with or without breast cancer (MIM#312300), hypospadias 1, X-linked (MIM#300633), or spinal and bulbar muscular atrophy of Kennedy (MIM#313200). (I) 0109 - This gene is associated with X-linked recessive disease. (I) 0200 - Variant is predicted to result in a missense amino acid change from cysteine to serine. (I) 0253 - This variant is hemizygous. (I) 0301 - Variant is absent from gnomAD (both v2 and v3). (SP) 0501 - Missense variant consistently predicted to be damaging by multiple in silico tools or highly conserved with a major amino acid change. (SP) 0601 - Variant is located in the well-established functional zinc finger C4 type domain and affects a highly conserved cysteine residue (DECIPHER). (SP) 0704 - Another missense variant comparable to the one identified in this case has limited previous evidence for pathogenicity. p.(Cys612Tyr) has been observed in one individual with complete androgen insensitivity syndrome (LOVD). (SP) 0803 - This variant has limited previous evidence of pathogenicity in an unrelated individual. This variant has been observed in one individual with androgen insensitivity syndrome (PMID: 35445939). (SP) 0905 - No published segregation evidence has been identified for this variant. (I) 1007 - No published functional evidence has been identified for this variant. (I) 1208 - Inheritance information for this variant is not currently available in this individual. (I) Legend: (SP) - Supporting pathogenic, (I) - Information, (SB) - Supporting benign

Literature cited by the submitters: PubMed 35445939.

NM_000044.6(AR):c.1835G>C (p.Cys612Ser)

Gene: AR (androgen receptor; plus strand). Cytogenetic location: Xq12.
Variant type: single nucleotide variant.
Coding change: c.1835G>C on transcript NM_000044.6 (MANE Select); coding-DNA position 1835, G replaced by C.
Protein change: p.Cys612Ser; replaces cysteine 612 with serine.
Molecular consequence: missense variant. On other transcripts: 3 prime UTR variant (1).
Genome position (GRCh38, 1-based): chrX:67,686,076, G>C. VCF-style: chrX-67686076-G-C. GRCh37 (hg19) VCF-style: chrX-66905918-G-C.
Other names: c.239G>C, p.Cys80Ser (NM_001011645.3); c.1835G>C, p.Cys612Ser (NM_001348061.1, NM_001348063.1); c.*33G>C (NM_001348064.1); short protein forms C612S, C80S.
Identifiers: ClinVar variation 3255195 (VCV003255195.1), dbSNP rs2147497751.